The following is an entry in ClinVar:

ClinVar aggregate classification (germline): Uncertain significance (1 of 4 stars; one submission).

Conditions:
Hereditary cancer-predisposing syndrome. Also called: Neoplastic Syndromes, Hereditary; Hereditary Cancer Syndrome; Tumor predisposition; Hereditary neoplastic syndrome. Identifiers: Orphanet 140162, MedGen C0027672, MeSH D009386, MONDO:0015356.

Submission:

Ambry Genetics
Classification: Uncertain significance for Hereditary cancer-predisposing syndrome. Last evaluated: 2024-12-17. Review status: criteria provided, single submitter. Criteria: Ambry Variant Classification Scheme 2023. Collection method: clinical testing. Allele origin: germline.
Comment: The p.K59N variant (also known as c.177G>T), located in coding exon 2 of the POLE gene, results from a G to T substitution at nucleotide position 177. The lysine at codon 59 is replaced by asparagine, an amino acid with similar properties. This amino acid position is well conserved in available vertebrate species. In addition, this alteration is predicted to be tolerated by in silico analysis. Based on the available evidence, the clinical significance of this variant remains unclear.

NM_006231.4(POLE):c.177G>T (p.Lys59Asn)

Gene: POLE (DNA polymerase epsilon, catalytic subunit; minus strand). Cytogenetic location: 12q24.33.
Variant type: single nucleotide variant.
Coding change: c.177G>T on transcript NM_006231.4 (MANE Select); coding-DNA position 177, G replaced by T.
Protein change: p.Lys59Asn; replaces lysine 59 with asparagine.
Molecular consequence: missense variant.
Genome position (GRCh38, 1-based): chr12:132,681,165, C>A on the plus strand (G>T on the coding strand, the complement: POLE is on the minus strand). VCF-style: chr12-132681165-C-A. GRCh37 (hg19) VCF-style: chr12-133257751-C-A.
Other names: short protein forms K59N.
Identifiers: ClinVar variation 3781524 (VCV003781524.1).